The following is an entry in ClinVar:

NM_006922.4(SCN3A):c.5591G>T (p.Ser1864Ile)

Gene: SCN3A (sodium voltage-gated channel alpha subunit 3; minus strand). Cytogenetic location: 2q24.3.
Variant type: single nucleotide variant.
Coding change: c.5591G>T on transcript NM_006922.4 (MANE Select); coding-DNA position 5591, G replaced by T.
Protein change: p.Ser1864Ile; replaces serine 1864 with isoleucine.
Molecular consequence: missense variant.
Genome position (GRCh38, 1-based): chr2:165,090,562, C>A on the plus strand (G>T on the coding strand, the complement: SCN3A is on the minus strand). VCF-style: chr2-165090562-C-A. GRCh37 (hg19) VCF-style: chr2-165947072-C-A.
Other names: c.5444G>T, p.Ser1815Ile (NM_001081676.2, NM_001081677.2); short protein forms S1864I, S1815I.
Identifiers: ClinVar variation 426866 (VCV000426866.3), dbSNP rs1085307836, ClinGen allele CA349011151.

ClinVar aggregate classification (germline): Uncertain significance (1 of 4 stars; one submission).

Submission:

GeneDx
Classification: Uncertain significance. Last evaluated: 2024-02-05. Review status: criteria provided, single submitter. Criteria: GeneDx Variant Classification Process June 2021. Collection method: clinical testing. Allele origin: germline. Affected: yes.
Comment: Not observed at significant frequency in large population cohorts (gnomAD); In silico analysis supports that this missense variant has a deleterious effect on protein structure/function; Has not been previously published as pathogenic or benign to our knowledge